The following is an entry in ClinVar:

ClinVar aggregate classification (germline): Uncertain significance (1 of 4 stars; one submission).

Conditions:
Inborn genetic diseases. Identifiers: MedGen C0950123, MeSH D030342.

Submission:

Ambry Genetics
Classification: Uncertain significance for Inborn genetic diseases. Last evaluated: 2026-07-02. Review status: criteria provided, single submitter. Criteria: Ambry Variant Classification Scheme 2023. Collection method: clinical testing. Allele origin: germline.
Comment: The p.L386P variant (also known as c.1157T>C), located in coding exon 5 of the GATA2 gene, results from a T to C substitution at nucleotide position 1157. The leucine at codon 386 is replaced by proline, an amino acid with similar properties. This amino acid position is conserved. In addition, this alteration is predicted to be deleterious by in silico analysis. Based on the available evidence, the clinical significance of this variant remains unclear.

NM_032638.5(GATA2):c.1157T>C (p.Leu386Pro)

Gene: GATA2 (GATA binding protein 2; minus strand). Cytogenetic location: 3q21.3.
Variant type: single nucleotide variant.
Coding change: c.1157T>C on transcript NM_032638.5 (MANE Select); coding-DNA position 1157, T replaced by C.
Protein change: p.Leu386Pro; replaces leucine 386 with proline.
Molecular consequence: missense variant.
Genome position (GRCh38, 1-based): chr3:128,481,305, A>G on the plus strand (T>C on the coding strand, the complement: GATA2 is on the minus strand). VCF-style: chr3-128481305-A-G. GRCh37 (hg19) VCF-style: chr3-128200148-A-G.
Other names: c.1157T>C, p.Leu386Pro (NM_001145661.2); c.1115T>C, p.Leu372Pro (NM_001145662.1); short protein forms L386P, L372P.
Identifiers: ClinVar variation 5022180 (VCV005022180.1).
Genomic context (GRCh38, chr3:128,481,305, plus strand): 5'-TTCTTGGACTTGTTGGACATCTTCCGGTTCCGAGTCTGGATCCCTTCCTTCTTCATGGTC[A>G]GTGGCCTGTTAACCTAGAGGCAACCACCAGTTTTCAGAGGGCCAGTTCCTTCCTCCAGCA-3'
Protein context (NP_116027.2, residues 376-396): YYKLHNVNRP[Leu386Pro]TMKKEGIQTR